The following is an entry in ClinVar:

NM_001349.4(DARS1):c.858T>C (p.Phe286=)

Gene: DARS1 (aspartyl-tRNA synthetase 1; minus strand). Cytogenetic location: 2q21.3.
Variant type: single nucleotide variant.
Coding change: c.858T>C on transcript NM_001349.4 (MANE Select); coding-DNA position 858, T replaced by C.
Protein change: p.Phe286=; no amino-acid change (phenylalanine 286 retained).
Molecular consequence: synonymous variant.
Genome position (GRCh38, 1-based): chr2:135,920,554, A>G on the plus strand (T>C on the coding strand, the complement: DARS1 is on the minus strand). VCF-style: chr2-135920554-A-G. GRCh37 (hg19) VCF-style: chr2-136678124-A-G.
Other names: c.558T>C, p.Phe186= (NM_001293312.1).
Identifiers: ClinVar variation 720762 (VCV000720762.35), dbSNP rs369617769, ClinGen allele CA1889650.
Genomic context (GRCh38, chr2:135,920,554, plus strand): 5'-AATTTCTTCCATAACTTCGTGGTAATGGTAATTAAAAGCCATTTCAATGTCCAAACCAAC[A>G]AACTCAGTTAGATGTCTATGGGTATTAGAGTCTTCCGCTCTGAATACTGTGAAGTTAATA-3'
Protein context (NP_001340.2, residues 276-296): DSNTHRHLTE[Phe286=]VGLDIEMAFN

ClinVar aggregate classification (germline): Likely benign. Review status: criteria provided, multiple submitters, no conflicts (2 of 4 stars). 4 submissions from 4 submitters: Likely benign (3). 1 of the submissions does not count toward it. Last evaluated 2024-11-07.

Conditions:
DARS1-related disorder. Also called: DARS1-related condition.

Allele frequency attached by ClinVar (database versions not stated): gnomAD 0.00001; TOPMed 0.00001.
gnomAD v4.1: 29 of 1,613,656 alleles (0.0018%); highest among the groups gnomAD compares: East Asian, 0.0022%; 1 homozygote.

Submissions (4):

Blueprint Genetics
Classification: Likely benign. Last evaluated: 2024-11-07. Review status: criteria provided, single submitter. Criteria: ACMG Guidelines, 2015. Collection method: clinical testing. Allele origin: germline.

CeGaT Center for Human Genetics Tuebingen
Classification: Likely benign. Last evaluated: 2023-08-01. Review status: criteria provided, single submitter. Criteria: CeGaT Center For Human Genetics Tuebingen Variant Classification Criteria Version 2. Collection method: clinical testing. Allele origin: germline. Affected: yes. Observed: 1 variant allele.
Comment: DARS1: BP4, BP7

Labcorp Genetics (formerly Invitae), Labcorp
Classification: Likely benign. Last evaluated: 2023-07-26. Review status: criteria provided, single submitter. Criteria: Invitae Variant Classification Sherloc (09022015). Collection method: clinical testing. Allele origin: germline.

PreventionGenetics, part of Exact Sciences
Classification: Likely benign for DARS1-related condition. Last evaluated: 2019-05-17. Review status: no assertion criteria provided. Collection method: clinical testing. Allele origin: germline. Not counted in ClinVar's aggregate classification.
Comment: This variant is classified as likely benign based on ACMG/AMP sequence variant interpretation guidelines (Richards et al. 2015 PMID: 25741868, with internal and published modifications).